The following is an entry in ClinVar:

NM_147127.5(EVC2):c.2126del (p.Gln709fs)

Gene: EVC2 (EvC ciliary complex subunit 2; minus strand). Cytogenetic location: 4p16.2.
Variant type: Deletion.
Coding change: c.2126del on transcript NM_147127.5 (MANE Select); coding-DNA position 2126, one base deleted (A; older notation c.2126delA).
Protein change: p.Gln709fs; shifts the reading frame from glutamine 709.
Molecular consequence: frameshift variant.
Genome position (GRCh38, 1-based): chr4:5,622,912, T deleted on the plus strand (A on the coding strand, the reverse complement: EVC2 is on the minus strand). VCF-style (leftmost placement, unchanged base first): chr4-5622911-CT-C. GRCh37 (hg19) VCF-style: chr4-5624638-CT-C.
Other names: c.1886del, p.Gln629fs (NM_001166136.2); short protein forms Q629fs, Q709fs.
Identifiers: ClinVar variation 5011532 (VCV005011532.1).

ClinVar aggregate classification (germline): Pathogenic (1 of 4 stars; one submission).

Conditions:
Ellis-van Creveld syndrome (EVC). Also called: MESOECTODERMAL DYSPLASIA; Chondroectodermal dysplasia. Identifiers: Orphanet 289, MedGen C0013903, MONDO:0009162, OMIM 225500.

Submission:

Myriad Genetics, Inc.
Classification: Pathogenic for Ellis-van Creveld syndrome. Last evaluated: 2023-09-03. Review status: criteria provided, single submitter. Criteria: Myriad Autosomal Dominant, Autosomal Recessive and X-Linked Classification Criteria (2023). Collection method: clinical testing. Allele origin: unknown.
Comment: NM_147127.4(EVC2):c.2126delA(Q709Rfs*5) is expected to be pathogenic in the context of EVC2-related Ellis-van Creveld syndrome. This variant is predicted to lead to an abnormal or absent protein product due to the creation of a premature termination codon in EVC2, a gene where loss-of-function variants are known to be pathogenic. Please note: this variant was assessed in the context of healthy population screening.